The following is an entry in ClinVar:

ClinVar aggregate classification (germline): Conflicting classifications of pathogenicity. Review status: criteria provided, conflicting classifications (1 of 4 stars). 3 submissions from 3 submitters: Likely pathogenic (2); Uncertain significance (1). Last evaluated 2024-11-01.

Conditions:
Autosomal recessive nonsyndromic hearing loss 4 (DFNB4). Also called: Deafness, autosomal recessive 4; Deafness, autosomal recessive 4, with enlarged vestibular aqueduct; FOXI1-Related Pendred Syndrome; KCNJ10-Related Pendred Syndrome; DEAFNESS, AUTOSOMAL RECESSIVE 4, WITH ENLARGED VESTIBULAR AQUEDUCT, DIGENIC; NEUROSENSORY NONSYNDROMIC RECESSIVE DEAFNESS 4. Identifiers: Orphanet 90636, MedGen C3538946, MONDO:0010933, OMIM 600791.

Submissions (3):

GeneDx
Classification: Uncertain significance. Last evaluated: 2024-11-01. Review status: criteria provided, single submitter. Criteria: GeneDx Variant Classification Process June 2021. Collection method: clinical testing. Allele origin: germline. Affected: yes.
Comment: Not observed at significant frequency in large population cohorts (gnomAD); In silico analysis supports that this missense variant has a deleterious effect on protein structure/function; Has not been previously published as pathogenic or benign to our knowledge

Labcorp Genetics (formerly Invitae), Labcorp
Classification: Likely pathogenic. Last evaluated: 2024-02-27. Review status: criteria provided, single submitter. Criteria: Invitae Variant Classification Sherloc (09022015). Collection method: clinical testing. Allele origin: germline.
Comment: This sequence change replaces alanine, which is neutral and non-polar, with proline, which is neutral and non-polar, at codon 120 of the SLC26A4 protein (p.Ala120Pro). This variant is not present in population databases (gnomAD no frequency). This missense change has been observed in individual(s) with clinical features of Pendred syndrome (Invitae). ClinVar contains an entry for this variant (Variation ID: 1464716). Advanced modeling of protein sequence and biophysical properties (such as structural, functional, and spatial information, amino acid conservation, physicochemical variation, residue mobility, and thermodynamic stability) performed at Invitae indicates that this missense variant is expected to disrupt SLC26A4 protein function with a positive predictive value of 95%. In summary, the currently available evidence indicates that the variant is pathogenic, but additional data are needed to prove that conclusively. Therefore, this variant has been classified as Likely Pathogenic.

Clinical Genetics Service, Universitary Hospital 12 de Octubre
Classification: Likely pathogenic for Autosomal recessive nonsyndromic hearing loss 4. Review status: criteria provided, single submitter. Criteria: ACMG Guidelines, 2015. Collection method: clinical testing. Allele origin: paternal. Affected: yes.

NM_000441.2(SLC26A4):c.358G>C (p.Ala120Pro)

Gene: SLC26A4 (solute carrier family 26 member 4; plus strand). Cytogenetic location: 7q22.3.
Variant type: single nucleotide variant.
Coding change: c.358G>C on transcript NM_000441.2 (MANE Select); coding-DNA position 358, G replaced by C.
Protein change: p.Ala120Pro; replaces alanine 120 with proline.
Molecular consequence: missense variant.
Genome position (GRCh38, 1-based): chr7:107,672,191, G>C. VCF-style: chr7-107672191-G-C. GRCh37 (hg19) VCF-style: chr7-107312636-G-C.
Other names: c.358G>C (NM_000441.1); short protein forms A120P.
Identifiers: ClinVar variation 1464716 (VCV001464716.10), dbSNP rs2129311252, ClinGen allele CA368847082.
Genomic context (GRCh38, chr7:107,672,191, plus strand): 5'-CTTTCAGGGATGGCATATGCCCTACTAGCTGCAGTTCCTGTCGGATATGGTCTCTACTCT[G>C]CTTTTTTCCCTATCCTGACATACTTTATCTTTGGAACATCAAGACATATCTCAGTTGGTA-3'
Protein context (NP_000432.1, residues 110-130): AVPVGYGLYS[Ala120Pro]FFPILTYFIF